The following is an entry in ClinVar:

NM_003631.5(PARG):c.2769C>T (p.Leu923=)

Gene: PARG (poly(ADP-ribose) glycohydrolase; minus strand). Cytogenetic location: 10q11.23.
Variant type: single nucleotide variant.
Coding change: c.2769C>T on transcript NM_003631.5 (MANE Select); coding-DNA position 2769, C replaced by T.
Protein change: p.Leu923=; no amino-acid change (leucine 923 retained).
Molecular consequence: synonymous variant. On other transcripts: non-coding transcript variant (7).
Genome position (GRCh38, 1-based): chr10:49,820,172, G>A on the plus strand (C>T on the coding strand, the complement: PARG is on the minus strand). VCF-style: chr10-49820172-G-A. GRCh37 (hg19) VCF-style: chr10-51028218-G-A.
Other names: c.2523C>T, p.Leu841= (NM_001303486.3, NM_001324381.3); c.2445C>T, p.Leu815= (NM_001303487.3); c.1527C>T, p.Leu509= (NM_001303489.3).
Identifiers: ClinVar variation 3772089 (VCV003772089.13).

ClinVar aggregate classification (germline): Likely benign (1 of 4 stars; one submission).

Submission:

CeGaT Center for Human Genetics Tuebingen
Classification: Likely benign. Last evaluated: 2024-12-01. Review status: criteria provided, single submitter. Criteria: CeGaT Center For Human Genetics Tuebingen Variant Classification Criteria Version 2. Collection method: clinical testing. Allele origin: germline. Affected: yes. Observed: 1 variant allele.
Comment: PARG: PM2:Supporting, BP4, BP7